The following is an entry in ClinVar:

ClinVar aggregate classification (germline): Uncertain significance (1 of 4 stars; one submission).

Conditions:
Familial thoracic aortic aneurysm and aortic dissection (TAAD). Also called: Thoracic aortic aneurysms and dissections. Identifiers: Orphanet 91387, MedGen C4707243, MONDO:0019625.

Submission:

Ambry Genetics
Classification: Uncertain significance for Familial thoracic aortic aneurysm and aortic dissection. Last evaluated: 2026-01-10. Review status: criteria provided, single submitter. Criteria: Ambry Variant Classification Scheme 2023. Collection method: clinical testing. Allele origin: germline.
Comment: The p.Q294R variant (also known as c.881A>G), located in coding exon 5 of the TGFB2 gene, results from an A to G substitution at nucleotide position 881. The glutamine at codon 294 is replaced by arginine, an amino acid with highly similar properties. This amino acid position is conserved. In addition, the in silico prediction for this alteration is inconclusive. Based on the available evidence, the clinical significance of this variant remains unclear.

NM_003238.6(TGFB2):c.881A>G (p.Gln294Arg)

Gene: TGFB2 (transforming growth factor beta 2; plus strand). Cytogenetic location: 1q41.
Variant type: single nucleotide variant.
Coding change: c.881A>G on transcript NM_003238.6 (MANE Select); coding-DNA position 881, A replaced by G.
Protein change: p.Gln294Arg; replaces glutamine 294 with arginine.
Molecular consequence: missense variant. On other transcripts: non-coding transcript variant (2).
Genome position (GRCh38, 1-based): chr1:218,436,096, A>G. VCF-style: chr1-218436096-A-G. GRCh37 (hg19) VCF-style: chr1-218609438-A-G.
Other names: c.965A>G, p.Gln322Arg (NM_001135599.4); short protein forms Q294R, Q322R.
Identifiers: ClinVar variation 4843208 (VCV004843208.1).